The following is an entry in ClinVar:

ClinVar aggregate classification (germline): Uncertain significance. Review status: criteria provided, single submitter (1 of 4 stars). 2 submissions from 2 submitters: Uncertain significance (1). 1 of the submissions does not count toward it. Last evaluated 2025-12-26.

Conditions:
Inborn genetic diseases. Identifiers: MedGen C0950123, MeSH D030342.
SAMD9-related disorder. Also called: SAMD9-related condition.

Allele frequency attached by ClinVar (database versions not stated): ExAC 0.00001; gnomAD 0.00001; gnomAD exomes 0.00001; TOPMed 0.00001.
gnomAD v4.1: 4 of 1,613,896 alleles (0.00025%); highest among the groups gnomAD compares: Non-Finnish European, 0.00034%; no homozygotes.

Submissions (2):

Ambry Genetics
Classification: Uncertain significance for Inborn genetic diseases. Last evaluated: 2025-12-26. Review status: criteria provided, single submitter. Criteria: Ambry Variant Classification Scheme 2023. Collection method: clinical testing. Allele origin: germline.
Comment: The p.I352V variant (also known as c.1054A>G), located in coding exon 1 of the SAMD9 gene, results from an A to G substitution at nucleotide position 1054. The isoleucine at codon 352 is replaced by valine, an amino acid with highly similar properties. This amino acid position is conserved. In addition, this alteration is predicted to be tolerated by in silico analysis. Based on the available evidence, the clinical significance of this variant remains unclear.

PreventionGenetics, part of Exact Sciences
Classification: Uncertain significance for SAMD9-related condition. Last evaluated: 2023-12-04. Review status: no assertion criteria provided. Collection method: clinical testing. Allele origin: germline. Not counted in ClinVar's aggregate classification.
Comment: The SAMD9 c.1054A>G variant is predicted to result in the amino acid substitution p.Ile352Val. To our knowledge, this variant has not been reported in the literature. This variant is reported in 0.00088% of alleles in individuals of European (Non-Finnish) descent in gnomAD. At this time, the clinical significance of this variant is uncertain due to the absence of conclusive functional and genetic evidence.

NM_017654.4(SAMD9):c.1054A>G (p.Ile352Val)

Gene: SAMD9 (sterile alpha motif domain containing 9; minus strand). Cytogenetic location: 7q21.2.
Variant type: single nucleotide variant.
Coding change: c.1054A>G on transcript NM_017654.4 (MANE Select); coding-DNA position 1054, A replaced by G.
Protein change: p.Ile352Val; replaces isoleucine 352 with valine.
Molecular consequence: missense variant.
Genome position (GRCh38, 1-based): chr7:93,105,044, T>C on the plus strand (A>G on the coding strand, the complement: SAMD9 is on the minus strand). VCF-style: chr7-93105044-T-C. GRCh37 (hg19) VCF-style: chr7-92734357-T-C.
Other names: c.1054A>G, p.Ile352Val (NM_001193307.2); short protein forms I352V.
Identifiers: ClinVar variation 3029865 (VCV003029865.3), dbSNP rs760872638, ClinGen allele CA4343029.